The following is an entry in ClinVar:

ClinVar aggregate classification (germline): Uncertain significance. Review status: criteria provided, multiple submitters, no conflicts (2 of 4 stars). 2 submissions from 2 submitters: Uncertain significance (2). Last evaluated 2025-07-27.

Conditions:
Inborn genetic diseases. Identifiers: MedGen C0950123, MeSH D030342.

Allele frequency attached by ClinVar (database versions not stated): gnomAD exomes 0.00001; TOPMed 0.00001.
gnomAD v4.1: 15 of 1,614,048 alleles (0.00093%); highest among the groups gnomAD compares: Non-Finnish European, 0.00085%; no homozygotes.

Submissions (2):

Labcorp Genetics (formerly Invitae), Labcorp
Classification: Uncertain significance. Last evaluated: 2025-07-27. Review status: criteria provided, single submitter. Criteria: Invitae Variant Classification Sherloc (09022015). Collection method: clinical testing. Allele origin: germline.
Comment: This sequence change replaces threonine, which is neutral and polar, with isoleucine, which is neutral and non-polar, at codon 806 of the DSG1 protein (p.Thr806Ile). This variant is not present in population databases (gnomAD no frequency). This variant has not been reported in the literature in individuals affected with DSG1-related conditions. ClinVar contains an entry for this variant (Variation ID: 3085940). Invitae Evidence Modeling of protein sequence and biophysical properties (such as structural, functional, and spatial information, amino acid conservation, physicochemical variation, residue mobility, and thermodynamic stability) indicates that this missense variant is not expected to disrupt DSG1 protein function with a negative predictive value of 80%. In summary, the available evidence is currently insufficient to determine the role of this variant in disease. Therefore, it has been classified as a Variant of Uncertain Significance.

Ambry Genetics
Classification: Uncertain significance for Inborn genetic diseases. Last evaluated: 2025-06-09. Review status: criteria provided, single submitter. Criteria: Ambry Variant Classification Scheme 2023. Collection method: clinical testing. Allele origin: germline.

NM_001942.4(DSG1):c.2417C>T (p.Thr806Ile)

Genes: DSG1 (desmoglein 1; plus strand), DSG1-AS1 (DSG1 antisense RNA 1; minus strand), LOC126862720 (MED14-independent group 3 enhancer GRCh37_chr18:28933613-28934812; plus strand). Cytogenetic location: 18q12.1.
Variant type: single nucleotide variant.
Coding change: c.2417C>T on transcript NM_001942.4 (MANE Select); coding-DNA position 2417, C replaced by T.
Protein change: p.Thr806Ile; replaces threonine 806 with isoleucine.
Molecular consequence: missense variant.
Genome position (GRCh38, 1-based): chr18:31,354,613, C>T. VCF-style: chr18-31354613-C-T. GRCh37 (hg19) VCF-style: chr18-28934576-C-T.
Other names: short protein forms T806I.
Identifiers: ClinVar variation 3085940 (VCV003085940.3), dbSNP rs2071935879, ClinGen allele CA402122676.